The following is an entry in ClinVar:

NM_000135.4(FANCA):c.2222+8C>T

Gene: FANCA (FA complementation group A; minus strand). Cytogenetic location: 16q24.3.
Variant type: single nucleotide variant.
Coding change: c.2222+8C>T on transcript NM_000135.4 (MANE Select); 8 bases into the intron after coding-DNA position 2222, C replaced by T.
Molecular consequence: intron variant.
Genome position (GRCh38, 1-based): chr16:89,770,556, G>A on the plus strand (C>T on the coding strand, the complement: FANCA is on the minus strand). VCF-style: chr16-89770556-G-A. GRCh37 (hg19) VCF-style: chr16-89836964-G-A.
Other names: c.2222+8C>T (NM_001286167.3, NM_000135.3).
Identifiers: ClinVar variation 974330 (VCV000974330.9), dbSNP rs745775730, ClinGen allele CA8251839.

ClinVar aggregate classification (germline): Uncertain significance. Review status: criteria provided, multiple submitters, no conflicts (2 of 4 stars). 3 submissions from 3 submitters: Uncertain significance (2). 1 of the submissions does not count toward it. Last evaluated 2025-06-02.

Conditions:
Fanconi anemia (FA). Also called: Fanconi's anemia. Identifiers: Orphanet 84, MedGen C0015625, MeSH D005199, MONDO:0019391.
Fanconi anemia complementation group A (FANCA). Also called: Fanconi anemia, group A; FANCA-Related Fanconi Anemia. Identifiers: Orphanet 84, MedGen C3469521, MONDO:0009215, OMIM 227650.

Allele frequency attached by ClinVar (database versions not stated): TOPMed below 0.00001; gnomAD exomes 0.00001 and 0.00002; ExAC 0.00004.
gnomAD v4.1: 7 of 1,603,292 alleles (0.00044%); highest among the groups gnomAD compares: Admixed American, 0.0034%; no homozygotes.

Submissions (3):

Quest Diagnostics Nichols Institute San Juan Capistrano
Classification: Uncertain significance. Last evaluated: 2025-06-02. Review status: criteria provided, single submitter. Criteria: Quest Diagnostics criteria. Collection method: clinical testing. Allele origin: unknown.
Comment: The FANCA c.2222+8C>T variant has not been reported in individuals with FANCA-related conditions in the published literature. The frequency of this variant in the general population (Genome Aggregation Database) is uninformative in the assessment of its pathogenicity. Analysis of this variant using software algorithms for the prediction of the effect of nucleotide changes on FANCA mRNA splicing yielded predictions that this variant may result in the gain of a cryptic splice site without affecting the natural splice sites. Based on the available information, we are unable to determine the clinical significance of this variant.

Labcorp Genetics (formerly Invitae), Labcorp
Classification: Uncertain significance for Fanconi anemia. Last evaluated: 2024-05-29. Review status: criteria provided, single submitter. Criteria: Invitae Variant Classification Sherloc (09022015). Collection method: clinical testing. Allele origin: germline.
Comment: This sequence change falls in intron 24 of the FANCA gene. It does not directly change the encoded amino acid sequence of the FANCA protein. The frequency data for this variant in the population databases is considered unreliable, as metrics indicate poor data quality at this position in the gnomAD database. This variant has not been reported in the literature in individuals affected with FANCA-related conditions. ClinVar contains an entry for this variant (Variation ID: 974330). Algorithms developed to predict the effect of sequence changes on RNA splicing suggest that this variant may disrupt the consensus splice site. In summary, the available evidence is currently insufficient to determine the role of this variant in disease. Therefore, it has been classified as a Variant of Uncertain Significance.

Leiden Open Variation Database
Classification: Uncertain significance for Fanconi anemia complementation group A. Last evaluated: 2020-02-28. Review status: no assertion criteria provided. Collection method: curation. Allele origin: germline. Affected: yes. Not counted in ClinVar's aggregate classification.
Comment: Curator: Arleen D. Auerbach. Submitter to LOVD: Arleen D. Auerbach.